The following is an entry in ClinVar:

ClinVar aggregate classification (germline): Likely benign. Review status: criteria provided, multiple submitters, no conflicts (2 of 4 stars). 3 submissions from 3 submitters: Likely benign (3). Last evaluated 2025-12-16.

Conditions:
Malignant hyperthermia, susceptibility to, 5 (MHS5). Also called: CACNA1S-Related Malignant Hyperthermia Susceptibility. Identifiers: Orphanet 423, MedGen C1866077, MONDO:0011163, OMIM 601887.
Hypokalemic periodic paralysis, type 1. Also called: Hypokalemic Periodic Paralysis Type 1 (AD); HypoPP. Identifiers: Orphanet 681, MedGen C3714580, MONDO:0042979, OMIM 170400.

Allele frequency attached by ClinVar (database versions not stated): gnomAD exomes 0.00002 and 0.00005; gnomAD 0.00004; ExAC 0.00005; TOPMed 0.00005; 1000 Genomes Project 30x 0.00016; 1000 Genomes Project 0.00020.
gnomAD v4.1: 43 of 1,614,050 alleles (0.0027%); highest among the groups gnomAD compares: Admixed American, 0.012%; no homozygotes.

Submissions (3):

Labcorp Genetics (formerly Invitae), Labcorp
Classification: Likely benign for Hypokalemic periodic paralysis, type 1; Malignant hyperthermia, susceptibility to, 5. Last evaluated: 2025-12-16. Review status: criteria provided, single submitter. Criteria: Invitae Variant Classification Sherloc (09022015). Collection method: clinical testing. Allele origin: germline.

All of Us Research Program, National Institutes of Health
Classification: Likely benign for Malignant hyperthermia, susceptibility to, 5. Last evaluated: 2023-12-18. Review status: criteria provided, single submitter. Criteria: ACMG Guidelines, 2015. Collection method: clinical testing. Allele origin: germline. Inheritance: Autosomal dominant inheritance. Observed: 9 variant alleles, 9 heterozygotes.
Comment: This study involves interpretation of variants in research participants for the purpose of population health screening. Participant phenotype was not available at the time of variant classification. Additional details can be found in publication PMID: 35346344, PMCID: PMC8962531

Color Diagnostics, LLC DBA Color Health
Classification: Likely benign for Malignant hyperthermia, susceptibility to, 5. Last evaluated: 2022-11-06. Review status: criteria provided, single submitter. Criteria: ACMG Guidelines, 2015. Collection method: clinical testing. Allele origin: germline.

NM_000069.3(CACNA1S):c.3696C>T (p.Ser1232=)

Gene: CACNA1S (calcium voltage-gated channel subunit alpha1 S; minus strand). Cytogenetic location: 1q32.1.
Variant type: single nucleotide variant.
Coding change: c.3696C>T on transcript NM_000069.3 (MANE Select); coding-DNA position 3696, C replaced by T.
Protein change: p.Ser1232=; no amino-acid change (serine 1232 retained).
Molecular consequence: synonymous variant.
Genome position (GRCh38, 1-based): chr1:201,053,558, G>A on the plus strand (C>T on the coding strand, the complement: CACNA1S is on the minus strand). VCF-style: chr1-201053558-G-A. GRCh37 (hg19) VCF-style: chr1-201022686-G-A.
Identifiers: ClinVar variation 699019 (VCV000699019.12), dbSNP rs570706043, ClinGen allele CA082758.